The following is an entry in ClinVar:

NM_000501.4(ELN):c.1101del (p.Val368fs)

Gene: ELN (elastin; plus strand). Cytogenetic location: 7q11.23.
Variant type: Deletion.
Coding change: c.1101del on transcript NM_000501.4 (MANE Select); coding-DNA position 1101, one base deleted (T; older notation c.1101delT).
Protein change: p.Val368fs; shifts the reading frame from valine 368.
Molecular consequence: frameshift variant.
Genome position (GRCh38, 1-based): chr7:74,054,720, T deleted; the last of 2 consecutive T bases (chr7:74,054,719-74,054,720); deleting either gives the same sequence. VCF-style (leftmost placement, unchanged base first): chr7-74054718-GT-G. GRCh37 (hg19) VCF-style: chr7-73469048-GT-G.
Other names: c.1071del, p.Val358fs (NM_001081752.3, NM_001278917.2); c.1116del, p.Val373fs (NM_001081753.3, NM_001081754.3); c.1101del, p.Val368fs (NM_001081755.3, NM_001278912.2, NM_001278915.2 and 1 more transcripts); c.993del, p.Val332fs (NM_001278913.2); c.1086del, p.Val363fs (NM_001278914.2); c.1059del, p.Val354fs (NM_001278916.2); c.969del, p.Val324fs (NM_001278918.2); short protein forms V363fs, V373fs, V358fs, V324fs, V354fs, V332fs, V368fs.
Identifiers: ClinVar variation 213187 (VCV000213187.8), dbSNP rs863223520, ClinGen allele CA319840.

ClinVar aggregate classification (germline): Pathogenic. Review status: criteria provided, multiple submitters, no conflicts (2 of 4 stars). 2 submissions from 2 submitters: Pathogenic (2). Last evaluated 2023-08-25.

Conditions:
Supravalvar aortic stenosis (SVAS). Also called: Supravalvar aortic stenosis, Eisenberg type. Identifiers: Orphanet 3193, MedGen C0003499, MONDO:0008504, OMIM 185500, HP:0004381.

Submissions (2):

Labcorp Genetics (formerly Invitae), Labcorp
Classification: Pathogenic for Supravalvar aortic stenosis. Last evaluated: 2023-08-25. Review status: criteria provided, single submitter. Criteria: Invitae Variant Classification Sherloc (09022015). Collection method: clinical testing. Allele origin: germline.
Comment: ClinVar contains an entry for this variant (Variation ID: 213187). For these reasons, this variant has been classified as Pathogenic. This variant has not been reported in the literature in individuals affected with ELN-related conditions. This sequence change creates a premature translational stop signal (p.Val368Cysfs*96) in the ELN gene. It is expected to result in an absent or disrupted protein product. Loss-of-function variants in ELN are known to be pathogenic (PMID: 11175284). This variant is not present in population databases (gnomAD no frequency).

GeneDx
Classification: Pathogenic. Last evaluated: 2014-05-13. Review status: criteria provided, single submitter. Criteria: GeneDx Variant Classification (06012015). Collection method: clinical testing. Allele origin: germline. Affected: yes.
Comment: The c.1101delT mutation in the ELN gene causes a frameshift starting with codon Valine 368, changes this amino acid to a Cysteine residue and creates a premature Stop codon at position 106 of the new reading frame, denoted p.Val368CysfsX106. This mutation is predicted to cause loss of normal protein function either through protein truncation or nonsense-mediated mRNA decay. This mutation has not been previously reported to our knowledge. This variant was found in ELN

Literature cited by the submitters: PubMed 11175284 (cited by Labcorp Genetics (formerly Invitae), Labcorp).